The following is an entry in ClinVar:

ClinVar aggregate classification (germline): Uncertain significance (1 of 4 stars; one submission).

Conditions:
Leukocyte adhesion deficiency 1 (LAD1). Also called: LEUKOCYTE ADHESION DEFICIENCY, TYPE I; LAD 1; Lymphocyte function-associated antigen 1 immunodeficiency; LFA 1 immunodeficiency. Identifiers: Orphanet 2968, Orphanet 99842, MedGen C0398738, MONDO:0007293, OMIM 116920.

Allele frequency attached by ClinVar (database versions not stated): gnomAD exomes below 0.00001; TOPMed below 0.00001; gnomAD 0.00001.
gnomAD v4.1: 3 of 1,612,706 alleles (0.00019%); highest among the groups gnomAD compares: Non-Finnish European, 0.00017%; no homozygotes.

Submission:

Labcorp Genetics (formerly Invitae), Labcorp
Classification: Uncertain significance for Leukocyte adhesion deficiency 1. Last evaluated: 2021-06-15. Review status: criteria provided, single submitter. Criteria: Invitae Variant Classification Sherloc (09022015). Collection method: clinical testing. Allele origin: germline.
Comment: This sequence change replaces glycine with aspartic acid at codon 617 of the ITGB2 protein (p.Gly617Asp). The glycine residue is highly conserved and there is a moderate physicochemical difference between glycine and aspartic acid. This variant is not present in population databases (ExAC no frequency). This variant has not been reported in the literature in individuals with ITGB2-related conditions. Algorithms developed to predict the effect of missense changes on protein structure and function are either unavailable or do not agree on the potential impact of this missense change (SIFT: "Deleterious"; PolyPhen-2: "Possibly Damaging"; Align-GVGD: "Class C15"). In summary, the available evidence is currently insufficient to determine the role of this variant in disease. Therefore, it has been classified as a Variant of Uncertain Significance.

NM_000211.5(ITGB2):c.1850G>A (p.Gly617Asp)

Gene: ITGB2 (integrin subunit beta 2; minus strand). Cytogenetic location: 21q22.3.
Variant type: single nucleotide variant.
Coding change: c.1850G>A on transcript NM_000211.5 (MANE Select); coding-DNA position 1850, G replaced by A.
Protein change: p.Gly617Asp; replaces glycine 617 with aspartic acid.
Molecular consequence: missense variant.
Genome position (GRCh38, 1-based): chr21:44,889,303, C>T on the plus strand (G>A on the coding strand, the complement: ITGB2 is on the minus strand). VCF-style: chr21-44889303-C-T. GRCh37 (hg19) VCF-style: chr21-46309218-C-T.
Other names: c.1850G>A, p.Gly617Asp (NM_001127491.3); c.1643G>A, p.Gly548Asp (NM_001303238.2); short protein forms G548D, G617D.
Identifiers: ClinVar variation 1486321 (VCV001486321.8), dbSNP rs1023125903, ClinGen allele CA321893593.